The following is an entry in ClinVar:

ClinVar aggregate classification (germline): Likely benign (0 of 4 stars; one submission).

Conditions:
PPP1R9B-related disorder. Also called: PPP1R9B-related condition.

Allele frequency attached by ClinVar (database versions not stated): gnomAD exomes below 0.00001; gnomAD 0.00001; TOPMed 0.00001.
gnomAD v4.1: 3 of 1,433,002 alleles (0.00021%); highest among the groups gnomAD compares: Non-Finnish European, 0.00027%; no homozygotes.

Submission:

PreventionGenetics, part of Exact Sciences
Classification: Likely benign for PPP1R9B-related condition. Last evaluated: 2021-02-15. Review status: no assertion criteria provided. Collection method: clinical testing. Allele origin: germline.
Comment: This variant is classified as likely benign based on ACMG/AMP sequence variant interpretation guidelines (Richards et al. 2015 PMID: 25741868, with internal and published modifications).

NM_032595.5(PPP1R9B):c.159C>T (p.Asn53=)

Gene: PPP1R9B (protein phosphatase 1 regulatory subunit 9B; minus strand). Cytogenetic location: 17q21.33.
Variant type: single nucleotide variant.
Coding change: c.159C>T on transcript NM_032595.5 (MANE Select); coding-DNA position 159, C replaced by T.
Protein change: p.Asn53=; no amino-acid change (asparagine 53 retained).
Molecular consequence: synonymous variant.
Genome position (GRCh38, 1-based): chr17:50,150,355, G>A on the plus strand (C>T on the coding strand, the complement: PPP1R9B is on the minus strand). VCF-style: chr17-50150355-G-A. GRCh37 (hg19) VCF-style: chr17-48227716-G-A.
Identifiers: ClinVar variation 3031424 (VCV003031424.2), dbSNP rs1158817186, ClinGen allele CA500991508.